The following is an entry in ClinVar:

ClinVar aggregate classification (germline): Uncertain significance. Review status: criteria provided, multiple submitters, no conflicts (2 of 4 stars). 2 submissions from 2 submitters: Uncertain significance (2). Last evaluated 2026-04-16.

Allele frequency attached by ClinVar (database versions not stated): gnomAD 0.00001; gnomAD exomes 0.00001; TOPMed 0.00002.

Submissions (2):

Women's Health and Genetics/Laboratory Corporation of America, LabCorp
Classification: Uncertain significance. Last evaluated: 2026-04-16. Review status: criteria provided, single submitter. Criteria: LabCorp Variant Classification Summary - May 2015. Collection method: clinical testing. Allele origin: germline.
Comment: Variant summary: COX14 c.82delT (p.Tyr28ThrfsX83) causes a frameshift which results in an extension of the protein. The variant allele was found at a frequency of 4e-06 in 251466 control chromosomes. The available data on variant occurrences in the general population are insufficient to allow any conclusion about variant significance. To our knowledge, no occurrence of c.82delT in individuals affected with COX14-related conditions and no experimental evidence demonstrating its impact on protein function have been reported. ClinVar contains an entry for this variant (Variation ID: 2419447). Based on the evidence outlined above, the variant was classified as uncertain significance.

Labcorp Genetics (formerly Invitae), Labcorp
Classification: Uncertain significance. Last evaluated: 2022-08-26. Review status: criteria provided, single submitter. Criteria: Invitae Variant Classification Sherloc (09022015). Collection method: clinical testing. Allele origin: germline.
Comment: This sequence change results in a frameshift in the COX14 gene (p.Tyr28Thrfs*83). While this is not anticipated to result in nonsense mediated decay, it is expected to disrupt the last 30 amino acid(s) of the COX14 protein and extend the protein by 52 additional amino acid residues. This variant is present in population databases (no rsID available, gnomAD 0.0009%). This variant has not been reported in the literature in individuals affected with COX14-related conditions. Algorithms developed to predict the effect of sequence changes on RNA splicing suggest that this variant may disrupt the consensus splice site. In summary, the available evidence is currently insufficient to determine the role of this variant in disease. Therefore, it has been classified as a Variant of Uncertain Significance.

NM_032901.4(COX14):c.82del (p.Tyr28fs)

Gene: COX14 (cytochrome c oxidase assembly factor COX14; plus strand). Cytogenetic location: 12q13.12.
Variant type: Deletion.
Coding change: c.82del on transcript NM_032901.4 (MANE Select); coding-DNA position 82, one base deleted (T; older notation c.82delT).
Protein change: p.Tyr28fs; shifts the reading frame from tyrosine 28.
Molecular consequence: frameshift variant.
Genome position (GRCh38, 1-based): chr12:50,120,125, T deleted. VCF-style (leftmost placement, unchanged base first): chr12-50120124-GT-G. GRCh37 (hg19) VCF-style: chr12-50513907-GT-G.
Other names: c.82del, p.Tyr28fs (NM_001257133.2, NM_001257134.2); c.82delT (NM_032901.4); short protein forms Y28fs.
Identifiers: ClinVar variation 2419447 (VCV002419447.8), dbSNP rs1289517318, ClinGen allele CA605236614.
Genomic context (GRCh38, chr12:50,120,124, plus strand): 5'-AGCTGACATTGGCTATAAGACCTTCTCTACCTCCATGATGCTTCTCACTGTGTATGGGGG[GT>G]ACCTCTGCAGTGTCCGAGTCTACCACTATTTCCAGTGGCGCAGGGCCCAGCGCCAGGCCG-3'